The following is an entry in ClinVar:

NM_004415.4(DSP):c.8227G>A (p.Gly2743Arg)

Gene: DSP (desmoplakin; plus strand). Cytogenetic location: 6p24.3.
Variant type: single nucleotide variant.
Coding change: c.8227G>A on transcript NM_004415.4 (MANE Select); coding-DNA position 8227, G replaced by A.
Protein change: p.Gly2743Arg; replaces glycine 2743 with arginine.
Molecular consequence: missense variant.
Genome position (GRCh38, 1-based): chr6:7,585,489, G>A. VCF-style: chr6-7585489-G-A. GRCh37 (hg19) VCF-style: chr6-7585722-G-A.
Other names: c.6430G>A, p.Gly2144Arg (NM_001008844.3); c.6898G>A, p.Gly2300Arg (NM_001319034.2); short protein forms G2300R, G2144R, G2743R.
Identifiers: ClinVar variation 928262 (VCV000928262.4), dbSNP rs1759627772, ClinGen allele CA362694710.
Genomic context (GRCh38, chr6:7,585,489, plus strand): 5'-GGCCAGCGCTTCCTGGAGTTCCAGTACCTCACGGGAGGTCTTGTTGACCCGGAAGTGCAT[G>A]GGAGGATAAGCACCGAAGAAGCCATCCGGAAGGGGTTCATAGATGGCCGCGCCGCACAGA-3'
Protein context (NP_004406.2, residues 2733-2753): TGGLVDPEVH[Gly2743Arg]RISTEEAIRK

ClinVar aggregate classification (germline): Uncertain significance (1 of 4 stars; one submission).

Conditions:
Cardiomyopathy (CMYO). Also called: Cardiomyopathies. Identifiers: Orphanet 167848, MedGen C0878544, MONDO:0004994, HP:0001638. Inheritance: Various modes of inheritance.

Submission:

Color Diagnostics, LLC DBA Color Health
Classification: Uncertain significance for Cardiomyopathy. Last evaluated: 2024-03-06. Review status: criteria provided, single submitter. Criteria: ACMG Guidelines, 2015. Collection method: clinical testing. Allele origin: germline.
Comment: This missense variant replaces glycine with arginine at codon 2743 of the DSP protein. Computational prediction tool suggests that this variant may not impact protein structure and function (internally defined REVEL score threshold <=0.5, PMID: 27666373). Splice site prediction tools suggest that this variant may not impact RNA splicing. To our knowledge, functional studies have not been performed for this variant. This variant has not been reported in individuals affected with cardiovascular disorders in the literature. This variant has not been identified in the general population by the Genome Aggregation Database (gnomAD). The available evidence is insufficient to determine the role of this variant in disease conclusively. Therefore, this variant is classified as a Variant of Uncertain Significance.